The following is an entry in ClinVar:

ClinVar aggregate classification (germline): Benign/Likely benign. Review status: criteria provided, multiple submitters, no conflicts (2 of 4 stars). 9 submissions from 9 submitters: Benign (5); Likely benign (2). 2 of the submissions do not count toward it. Last evaluated 2026-02-02.

Conditions:
DICER1-related tumor predisposition. Also called: DICER1-related pleuropulmonary blastoma cancer predisposition syndrome; DICER1 syndrome. Identifiers: Orphanet 284343, MedGen C3839822, MONDO:0100216.
Hereditary cancer-predisposing syndrome. Also called: Neoplastic Syndromes, Hereditary; Tumor predisposition; Hereditary Cancer Syndrome; Hereditary neoplastic syndrome. Identifiers: Orphanet 140162, MedGen C0027672, MeSH D009386, MONDO:0015356.

Allele frequency attached by ClinVar (database versions not stated): gnomAD exomes 0.15515; ExAC 0.30769; gnomAD 0.46952 and 0.47328.

Submissions (9):

Labcorp Genetics (formerly Invitae), Labcorp
Classification: Benign for DICER1-related tumor predisposition. Last evaluated: 2026-02-02. Review status: criteria provided, single submitter. Criteria: Invitae Variant Classification Sherloc (09022015). Collection method: clinical testing. Allele origin: germline.

Center for Genomic Medicine, Rigshospitalet, Copenhagen University Hospital
Classification: Benign. Last evaluated: 2025-03-04. Review status: criteria provided, single submitter. Criteria: ACMG Guidelines, 2015. Collection method: clinical testing. Allele origin: germline.

Blueprint Genetics
Classification: Likely benign. Last evaluated: 2024-11-27. Review status: criteria provided, single submitter. Criteria: ACMG Guidelines, 2015. Collection method: clinical testing. Allele origin: germline.

Mayo Clinic Laboratories, Mayo Clinic
Classification: Benign. Last evaluated: 2022-05-01. Review status: criteria provided, single submitter. Criteria: ACMG Guidelines, 2015. Collection method: clinical testing. Allele origin: germline. Observed: 450 variant alleles.

GeneDx
Classification: Benign. Last evaluated: 2019-08-15. Review status: criteria provided, single submitter. Criteria: GeneDx Variant Classification Process June 2021. Collection method: clinical testing. Allele origin: germline. Affected: yes.

Ambry Genetics
Classification: Likely benign for Hereditary cancer-predisposing syndrome. Last evaluated: 2016-11-02. Review status: criteria provided, single submitter. Criteria: Ambry Autosomal Dominant and X-Linked criteria (10/2015). Collection method: clinical testing. Allele origin: germline. Observed: 1 variant allele.

Laboratory for Molecular Medicine, Mass General Brigham Personalized Medicine
Classification: Benign. Last evaluated: 2016-03-29. Review status: criteria provided, single submitter. Criteria: LMM Criteria. Collection method: clinical testing. Allele origin: germline.
Comment: Variant identified in a genome or exome case(s) and assessed due to predicted null impact of the variant or pathogenic assertions in the literature or databases. Disclaimer: This variant has not undergone full assessment. The following are preliminary notes: Frequency

Diagnostic Laboratory, Department of Genetics, University Medical Center Groningen
Classification: Benign. Review status: no assertion criteria provided. Collection method: clinical testing. Allele origin: germline. Affected: yes. Study: VKGL Data-share Consensus. Not counted in ClinVar's aggregate classification.

Genome Diagnostics Laboratory, University Medical Center Utrecht
Classification: Benign. Review status: no assertion criteria provided. Collection method: clinical testing. Allele origin: germline. Affected: yes. Study: VKGL Data-share Consensus. Not counted in ClinVar's aggregate classification.

NM_177438.3(DICER1):c.4206+9_4206+11del

Gene: DICER1 (dicer 1, ribonuclease III; minus strand). Cytogenetic location: 14q32.13.
Variant type: Deletion.
Coding change: c.4206+9_4206+11del on transcript NM_177438.3 (MANE Select); bases 9 to 11 of the intron after coding-DNA position 4206, 3 bases deleted (GTG; older notation c.4206+9_4206+11delGTG).
Molecular consequence: intron variant.
Genome position (GRCh38, 1-based): chr14:95,099,769-95,099,771, CAC deleted on the plus strand (GTG on the coding strand, the reverse complement: DICER1 is on the minus strand). VCF-style (leftmost placement, unchanged base first): chr14-95099768-ACAC-A. GRCh37 (hg19) VCF-style: chr14-95566105-ACAC-A.
Other names: p.?; c.4206+9_4206+11delGTG (NM_177438.2); c.4206+9_4206+11del (NM_177438.2, NM_001291628.2, NM_030621.4 and 2 more transcripts).
Identifiers: ClinVar variation 402592 (VCV000402592.28), dbSNP rs367764979, ClinGen allele CA7330921.